The following is an entry in ClinVar:

NM_004531.5(MOCS2):c.419C>T (p.Ser140Phe)

Gene: MOCS2 (molybdenum cofactor synthesis 2; minus strand). Cytogenetic location: 5q11.2.
Variant type: single nucleotide variant.
Coding change: c.419C>T on transcript NM_004531.5 (MANE Select); coding-DNA position 419, C replaced by T.
Protein change: p.Ser140Phe; replaces serine 140 with phenylalanine.
Molecular consequence: missense variant. On other transcripts: 3 prime UTR variant (1).
Genome position (GRCh38, 1-based): chr5:53,100,493, G>A on the plus strand (C>T on the coding strand, the complement: MOCS2 is on the minus strand). VCF-style: chr5-53100493-G-A. GRCh37 (hg19) VCF-style: chr5-52396323-G-A.
Other names: c.*339C>T (NM_176806.4); short protein forms S140F.
Identifiers: ClinVar variation 1404818 (VCV001404818.6), dbSNP rs914249018, ClinGen allele CA118889246.

ClinVar aggregate classification (germline): Conflicting classifications of pathogenicity. Review status: criteria provided, conflicting classifications (1 of 4 stars). 3 submissions from 3 submitters: Likely pathogenic (1); Uncertain significance (2). Last evaluated 2025-08-03.

Conditions:
Combined molybdoflavoprotein enzyme deficiency (MOCOD). Also called: Sulfite oxidase deficiency due to molybdenum cofactor deficiency; Molybdenum cofactor deficiency; Combined deficiency of sulfite oxidase, xanthine dehydrogenase, and aldehyde oxidase. Identifiers: Orphanet 833, Orphanet 99732, MedGen C0268119, MONDO:0020480, HP:0003570.

Allele frequency attached by ClinVar (database versions not stated): gnomAD 0.00001; gnomAD exomes 0.00004.
gnomAD v4.1: 51 of 1,613,484 alleles (0.0032%); highest among the groups gnomAD compares: Non-Finnish European, 0.0043%; no homozygotes.

Submissions (3):

Labcorp Genetics (formerly Invitae), Labcorp
Classification: Uncertain significance. Last evaluated: 2025-08-03. Review status: criteria provided, single submitter. Criteria: Invitae Variant Classification Sherloc (09022015). Collection method: clinical testing. Allele origin: germline.
Comment: This sequence change replaces serine, which is neutral and polar, with phenylalanine, which is neutral and non-polar, at codon 140 of the MOCS2B protein (p.Ser140Phe). This variant is present in population databases (no rsID available, gnomAD 0.007%). This missense change has been observed in individual(s) with molybdenum cofactor deficiency (PMID: 25709896). ClinVar contains an entry for this variant (Variation ID: 1404818). An algorithm developed to predict the effect of missense changes on protein structure and function (PolyPhen-2) suggests that this variant is likely to be disruptive. Experimental studies have shown that this missense change affects MOCS2B function (PMID: 25709896). Algorithms developed to predict the effect of sequence changes on RNA splicing suggest that this variant may create or strengthen a splice site. In summary, the available evidence is currently insufficient to determine the role of this variant in disease. Therefore, it has been classified as a Variant of Uncertain Significance.

Women's Health and Genetics/Laboratory Corporation of America, LabCorp
Classification: Likely pathogenic for Combined molybdoflavoprotein enzyme deficiency. Last evaluated: 2024-05-01. Review status: criteria provided, single submitter. Criteria: LabCorp Variant Classification Summary - May 2015. Collection method: clinical testing. Allele origin: germline.
Comment: Variant summary: MOCS2 c.419C>T (p.Ser140Phe) results in a non-conservative amino acid change in the encoded protein sequence. Four of five in-silico tools predict a damaging effect of the variant on protein function. The variant was absent in 251102 control chromosomes. c.419C>T has been reported in the literature in one individual affected with Molybdenum Cofactor Deficiency (example, Edwards_2015). These data do not allow any conclusion about variant significance. At least one publication reports experimental evidence evaluating an impact on protein function. The variant effect results in much lower protein yield than that for WT (less than 10%), loss of saturation of heat release, and significantly reduced MPT synthesis rates (Edwards_2015). The following publication has been ascertained in the context of this evaluation (PMID: 25709896). ClinVar contains an entry for this variant (Variation ID: 1404818). Based on the evidence outlined above, the variant was classified as likely pathogenic.

GeneDx
Classification: Uncertain significance. Last evaluated: 2023-11-11. Review status: criteria provided, single submitter. Criteria: GeneDx Variant Classification Process June 2021. Collection method: clinical testing. Allele origin: germline. Affected: yes.
Comment: Reported with a second MOCS2 variant on the opposite allele (in trans) in a patient with seizures, opisthotonus, decreased uric acid and elevated xanthine in urine, and abnormalities on brain MRI (PMID: 25709896); Not observed at significant frequency in large population cohorts (gnomAD); In silico analysis supports that this missense variant has a deleterious effect on protein structure/function; In silico analysis suggests this variant may impact gene splicing. In the absence of RNA/functional studies, the actual effect of this sequence change is unknown.; Reported using an alternate transcript of the gene; This variant is associated with the following publications: (PMID: 25709896, 36296488, 28900816, 31201073)

Literature cited by the submitters: PubMed 25709896 (cited by Labcorp Genetics (formerly Invitae), Labcorp and Women's Health and Genetics/Laboratory Corporation of America, LabCorp).